The following is an entry in ClinVar:

ClinVar aggregate classification (germline): Uncertain significance. Review status: criteria provided, multiple submitters, no conflicts (2 of 4 stars). 2 submissions from 2 submitters: Uncertain significance (2). Last evaluated 2025-04-29.

Conditions:
Neuroblastoma, susceptibility to, 3. Also called: ALK-Related Neuroblastic Tumor Susceptibility. Identifiers: Orphanet 635, MedGen C2751681, MONDO:0013083, OMIM 613014.
Hereditary cancer-predisposing syndrome. Also called: Hereditary neoplastic syndrome; Neoplastic Syndromes, Hereditary; Tumor predisposition; Hereditary Cancer Syndrome. Identifiers: Orphanet 140162, MedGen C0027672, MeSH D009386, MONDO:0015356.

gnomAD v4.1: 1 of 1,614,164 alleles (0.000062%); highest among the groups gnomAD compares: African/African-American, 0.0013%; no homozygotes.

Submissions (2):

Ambry Genetics
Classification: Uncertain significance for Hereditary cancer-predisposing syndrome. Last evaluated: 2025-04-29. Review status: criteria provided, single submitter. Criteria: Ambry Variant Classification Scheme 2023. Collection method: clinical testing. Allele origin: germline.
Comment: The p.A1553S variant (also known as c.4657G>T), located in coding exon 29 of the ALK gene, results from a G to T substitution at nucleotide position 4657. The alanine at codon 1553 is replaced by serine, an amino acid with similar properties. This amino acid position is conserved. In addition, this alteration is predicted to be tolerated by in silico analysis. Based on the available evidence, the clinical significance of this variant remains unclear.

Labcorp Genetics (formerly Invitae), Labcorp
Classification: Uncertain significance for Neuroblastoma, susceptibility to, 3. Last evaluated: 2020-05-21. Review status: criteria provided, single submitter. Criteria: Invitae Variant Classification Sherloc (09022015). Collection method: clinical testing. Allele origin: germline.
Comment: Algorithms developed to predict the effect of missense changes on protein structure and function output the following: SIFT: "Tolerated"; PolyPhen-2: "Benign"; Align-GVGD: "Class C0". The serine amino acid residue is found in multiple mammalian species, suggesting that this missense change does not adversely affect protein function. These predictions have not been confirmed by published functional studies and their clinical significance is uncertain. This variant has not been reported in the literature in individuals with ALK-related conditions. This variant is not present in population databases (ExAC no frequency). This sequence change replaces alanine with serine at codon 1553 of the ALK protein (p.Ala1553Ser). The alanine residue is moderately conserved and there is a moderate physicochemical difference between alanine and serine. In summary, the available evidence is currently insufficient to determine the role of this variant in disease. Therefore, it has been classified as a Variant of Uncertain Significance.

NM_004304.5(ALK):c.4657G>T (p.Ala1553Ser)

Gene: ALK (ALK receptor tyrosine kinase; minus strand). Cytogenetic location: 2p23.2.
Variant type: single nucleotide variant.
Coding change: c.4657G>T on transcript NM_004304.5 (MANE Select); coding-DNA position 4657, G replaced by T.
Protein change: p.Ala1553Ser; replaces alanine 1553 with serine.
Molecular consequence: missense variant.
Genome position (GRCh38, 1-based): chr2:29,193,430, C>A on the plus strand (G>T on the coding strand, the complement: ALK is on the minus strand). VCF-style: chr2-29193430-C-A. GRCh37 (hg19) VCF-style: chr2-29416296-C-A.
Other names: c.1453G>T, p.Ala485Ser (NM_001353765.2); c.4657G>T (NM_004304.4); short protein forms A1553S, A485S.
Identifiers: ClinVar variation 1042522 (VCV001042522.9), dbSNP rs745390287, ClinGen allele CA346460514.